The following is an entry in ClinVar:

ClinVar aggregate classification (germline): Uncertain significance (1 of 4 stars; one submission).

Conditions:
Hereditary cancer-predisposing syndrome. Also called: Tumor predisposition; Hereditary Cancer Syndrome; Hereditary neoplastic syndrome; Neoplastic Syndromes, Hereditary. Identifiers: Orphanet 140162, MedGen C0027672, MeSH D009386, MONDO:0015356.

Submission:

Ambry Genetics
Classification: Uncertain significance for Hereditary cancer-predisposing syndrome. Last evaluated: 2024-06-13. Review status: criteria provided, single submitter. Criteria: Ambry Variant Classification Scheme 2023. Collection method: clinical testing. Allele origin: germline.
Comment: The p.K1363N variant (also known as c.4089A>T), located in coding exon 15 of the APC gene, results from an A to T substitution at nucleotide position 4089. The lysine at codon 1363 is replaced by asparagine, an amino acid with similar properties. This amino acid position is highly conserved in available vertebrate species. In addition, in silico predictors for this gene do not accurately predict pathogenicity. Missense alterations in APC are not a common cause of disease (Spier I et al. Genet Med. 2024 Feb;26(2):100992). Based on the available evidence, the clinical significance of this variant remains unclear.

NM_000038.6(APC):c.4089A>T (p.Lys1363Asn)

Gene: APC (APC regulator of Wnt signaling pathway; plus strand). Cytogenetic location: 5q22.2.
Variant type: single nucleotide variant.
Coding change: c.4089A>T on transcript NM_000038.6 (MANE Select); coding-DNA position 4089, A replaced by T.
Protein change: p.Lys1363Asn; replaces lysine 1363 with asparagine.
Molecular consequence: missense variant. On other transcripts: non-coding transcript variant (2).
Genome position (GRCh38, 1-based): chr5:112,839,683, A>T. VCF-style: chr5-112839683-A-T. GRCh37 (hg19) VCF-style: chr5-112175380-A-T.
Other names: c.3240A>T, p.Lys1080Asn (NM_001407470.1, NM_001354906.2); c.2937A>T, p.Lys979Asn (NM_001407471.1, NM_001407472.1); c.4089A>T, p.Lys1363Asn (NM_001127510.3, NM_001354895.2, NM_001407450.1); c.4035A>T, p.Lys1345Asn (NM_001127511.3); c.4143A>T, p.Lys1381Asn (NM_001354896.2, NM_001407447.1, NM_001407448.1 and 1 more transcripts); c.4119A>T, p.Lys1373Asn (NM_001354897.2); c.4014A>T, p.Lys1338Asn (NM_001354898.2); c.4005A>T, p.Lys1335Asn (NM_001354899.2); and 11 more; short protein forms K1080N, K1203N, K1234N, K1322N, K1345N, K1353N, K1356N, K1381N.
Identifiers: ClinVar variation 3305553 (VCV003305553.1).